The following continues an entry in ClinVar:

NM_024675.4(PALB2):c.1572A>G (p.Ser524=)

Gene: PALB2. ClinVar aggregate classification (germline): Benign/Likely benign. Benign (11); Likely benign (9).

Submissions 25 to 30 of 30:

Department of Pathology and Laboratory Medicine, Sinai Health System
Classification: Benign for Malignant tumor of breast. Review status: no assertion criteria provided. Collection method: clinical testing. Allele origin: unknown. Affected: yes. Observed: 1 variant allele. Study: The Canadian Open Genetics Repository (COGR). Not counted in ClinVar's aggregate classification.
Comment: The PALB2 p.Ser524= variant was identified in 53 of 11538 proband chromosomes (frequency: 0.005) from Dutch, Spanish, German, Russian, American, British, Australian and Polish individuals or families with BRCA1/2 negative ovarian, pancreatic and female and male breast cancer with or without a family history of breast cancer and was identified in 48 of 7064 control chromosomes from healthy individuals (Adank 2011, Blanco 2012, Bogdanova 2011, Ding 2011, Garcia 2009, Hellebrand 2011, Hofstatter 2011, Kluska 2017, Rahman 2007, Teo 2013, Thompson 2015, Tischkowitz 2008). The variant was also identified in dbSNP (ID: rs45472400) â€šÃ„ÃºWith other alleleâ€šÃ„Ã¹, ClinVar (classified benign by Invitae, GeneDx, Quest Diagnostics, ARUP Laboratories, PALB2 database; and likely benign by Ambry Genetics, Illumina, Praxis fuer Humangenetik Tuebingen, Peter MacCallum cancer Centre and Institute for biomarker Research, Clinvitae (6x), Zhejiang Colon Cancer Database (2x), and was not identified in Cosmic. The variant was identified in control databases in 899 (2 homozygous) of 277242 chromosomes at a frequency of 0.003 increasing the likelihood this could be a low frequency benign variant (Genome Aggregation Consortium Feb 27, 2017). Breakdown of the observations by population include African in 22 of 24026 chromosomes (freq. 0.0009), other in 14 of 6468 chromosomes (freq. 0.002), Latino in 86 (1 homozygous) of 34420 chromosomes (freq. 0.002), European Non-Finnish in 621 (1 homozygous) of 126732 chromosomes (freq. 0.005), Ashkenazi Jewish in 2 of 10152 chromosomes (freq:0.0002), European Finnish in 44 of 25792 chromosomes (freq:0.002) and South Asian in 110 of 30782 chromosomes (freq. 0.004); it was not seen in the East Asian population. The p.Ser524= variant is not expected to have clinical significance because it does not result in a change of amino acid and is not located in a known consensus splice site. In summary, based on the above information this variant meets our laboratory's criteria to be classified as benign.

Diagnostic Laboratory, Department of Genetics, University Medical Center Groningen
Classification: Likely benign. Review status: no assertion criteria provided. Collection method: clinical testing. Allele origin: germline. Affected: yes. Study: VKGL Data-share Consensus. Not counted in ClinVar's aggregate classification.

Genome Diagnostics Laboratory, Amsterdam University Medical Center
Classification: Likely benign. Review status: no assertion criteria provided. Collection method: clinical testing. Allele origin: germline. Affected: yes. Study: VKGL Data-share Consensus. Not counted in ClinVar's aggregate classification.

Genome Diagnostics Laboratory, University Medical Center Utrecht
Classification: Likely benign. Review status: no assertion criteria provided. Collection method: clinical testing. Allele origin: germline. Affected: yes. Study: VKGL Data-share Consensus. Not counted in ClinVar's aggregate classification.

Joint Genome Diagnostic Labs from Nijmegen and Maastricht, Radboudumc and MUMC+
Classification: Likely benign. Review status: no assertion criteria provided. Collection method: clinical testing. Allele origin: germline. Affected: yes. Study: VKGL Data-share Consensus. Not counted in ClinVar's aggregate classification.

Laboratory of Diagnostic Genome Analysis, Leiden University Medical Center (LUMC)
Classification: Likely benign. Review status: no assertion criteria provided. Collection method: clinical testing. Allele origin: germline. Affected: yes. Study: VKGL Data-share Consensus. Not counted in ClinVar's aggregate classification.

Literature cited by the submitters: PubMed 17200668 (cited by Quest Diagnostics Nichols Institute San Juan Capistrano and Leiden Open Variation Database); PubMed 21165770 (cited by Quest Diagnostics Nichols Institute San Juan Capistrano and Leiden Open Variation Database); PubMed 20582465 (cited by Quest Diagnostics Nichols Institute San Juan Capistrano); PubMed 23935836 (cited by Quest Diagnostics Nichols Institute San Juan Capistrano and Leiden Open Variation Database); PubMed 18288683 (cited by Quest Diagnostics Nichols Institute San Juan Capistrano and Leiden Open Variation Database); PubMed 21618343 (cited by Quest Diagnostics Nichols Institute San Juan Capistrano and Leiden Open Variation Database); PubMed 23448497 (cited by Quest Diagnostics Nichols Institute San Juan Capistrano and Leiden Open Variation Database); PubMed 20927582 (cited by Quest Diagnostics Nichols Institute San Juan Capistrano and Leiden Open Variation Database); PubMed 22052327 (cited by Quest Diagnostics Nichols Institute San Juan Capistrano and Leiden Open Variation Database); PubMed 21365267 (cited by Quest Diagnostics Nichols Institute San Juan Capistrano and Leiden Open Variation Database); PubMed 18302019 (cited by Quest Diagnostics Nichols Institute San Juan Capistrano and Leiden Open Variation Database); PubMed 24949998 (cited by Quest Diagnostics Nichols Institute San Juan Capistrano and Leiden Open Variation Database); PubMed 26283626 (cited by Quest Diagnostics Nichols Institute San Juan Capistrano); PubMed 24206657 (cited by Quest Diagnostics Nichols Institute San Juan Capistrano and Leiden Open Variation Database); PubMed 25447460 (cited by Quest Diagnostics Nichols Institute San Juan Capistrano); PubMed 19635604 (cited by Quest Diagnostics Nichols Institute San Juan Capistrano); PubMed 27067391 (cited by Quest Diagnostics Nichols Institute San Juan Capistrano); PubMed 24556926 (cited by Quest Diagnostics Nichols Institute San Juan Capistrano and Leiden Open Variation Database); PubMed 30521987 (cited by Quest Diagnostics Nichols Institute San Juan Capistrano).